The following is an entry in ClinVar:

NM_000179.3(MSH6):c.2272del (p.Leu758fs)

Gene: MSH6 (mutS homolog 6; plus strand). Cytogenetic location: 2p16.3.
Variant type: Deletion.
Coding change: c.2272del on transcript NM_000179.3 (MANE Select); coding-DNA position 2272, one base deleted (C; older notation c.2272delC).
Protein change: p.Leu758fs; shifts the reading frame from leucine 758.
Molecular consequence: frameshift variant. On other transcripts: non-coding transcript variant (5), intron variant (2).
Genome position (GRCh38, 1-based): chr2:47,800,255, C deleted; the last of 3 consecutive C bases (chr2:47,800,253-47,800,255); deleting any one gives the same sequence. VCF-style (leftmost placement, unchanged base first): chr2-47800252-AC-A. GRCh37 (hg19) VCF-style: chr2-48027391-AC-A.
Other names: c.1366del, p.Leu456fs (NM_001406814.1, NM_001406815.1, NM_001406816.1 and 6 more transcripts); c.1975del, p.Leu659fs (NM_001406818.1, NM_001406819.1, NM_001406820.1 and 10 more transcripts); c.2104del, p.Leu702fs (NM_001406826.1); c.1606+666del (NM_001406817.1); c.628-411del (NM_001407362.1); c.2278del, p.Leu760fs (NM_001406813.1); c.1882del, p.Leu628fs (NM_001281492.2); c.2368del, p.Leu790fs (NM_001406795.1, NM_001406802.1); and 3 more; short protein forms L456fs, L583fs, L659fs, L732fs, L758fs, L628fs, L702fs, L790fs.
Identifiers: ClinVar variation 4843686 (VCV004843686.1).
Genomic context (GRCh38, chr2:47,800,252, plus strand): 5'-GCAGTGACATTAAACAACTTGGAGATTTTTCTGAATGGAACAAATGGTTCTACTGAAGGA[AC>A]CCTACTAGAGAGGGTTGATACTTGCCATACTCCTTTTGGTAAGCGGCTCCTAAAGCAATG-3'

ClinVar aggregate classification (germline): Pathogenic (1 of 4 stars; one submission).

Conditions:
Hereditary cancer-predisposing syndrome. Also called: Neoplastic Syndromes, Hereditary; Tumor predisposition; Hereditary Cancer Syndrome; Hereditary neoplastic syndrome. Identifiers: Orphanet 140162, MedGen C0027672, MeSH D009386, MONDO:0015356.

Submission:

Ambry Genetics
Classification: Pathogenic for Hereditary cancer-predisposing syndrome. Last evaluated: 2025-12-15. Review status: criteria provided, single submitter. Criteria: Ambry Variant Classification Scheme 2023. Collection method: clinical testing. Allele origin: germline.
Comment: The c.2272delC pathogenic mutation, located in coding exon 4 of the MSH6 gene, results from a deletion of one nucleotide at nucleotide position 2272, causing a translational frameshift with a predicted alternate stop codon (p.L758Yfs*2). This variant is considered to be rare based on population cohorts in the Genome Aggregation Database (gnomAD). This alteration is expected to result in loss of function by premature protein truncation or nonsense-mediated mRNA decay. As such, this alteration is interpreted as a disease-causing mutation.